The following is an entry in ClinVar:

ClinVar aggregate classification (germline): Likely pathogenic (0 of 4 stars; one submission).

Conditions:
May-Hegglin Disorder.

Submission:

Thrombosis and Haemostasis Unit, Fondazione IRCCS  "Casa Sollievo della Sofferenza"
Classification: Likely pathogenic for May-Hegglin Disorder. Last evaluated: 2020-03-20. Review status: no assertion criteria provided. Collection method: literature only. Allele origin: de novo. Affected: yes. Observed: 1 variant allele.
Comment: Lead to MYH-9-related disorders; Abnormal allele

NM_002473.6(MYH9):c.101T>A (p.Val34Glu)

Gene: MYH9 (myosin heavy chain 9; minus strand). Cytogenetic location: 22q12.3.
Variant type: single nucleotide variant.
Coding change: c.101T>A on transcript NM_002473.6 (MANE Select); coding-DNA position 101, T replaced by A.
Protein change: p.Val34Glu; replaces valine 34 with glutamic acid.
Molecular consequence: missense variant.
Genome position (GRCh38, 1-based): chr22:36,349,136, A>T on the plus strand (T>A on the coding strand, the complement: MYH9 is on the minus strand). VCF-style: chr22-36349136-A-T. GRCh37 (hg19) VCF-style: chr22-36745181-A-T.
Other names: short protein forms V34E.
Identifiers: ClinVar variation 917528 (VCV000917528.2), dbSNP rs2017727647, ClinGen allele CA411549541.
Genomic context (GRCh38, chr22:36,349,136, plus strand): 5'-GCCTCTTCGCCCACCTCCTCCTTGAGGCTGGCTGGCTCAAAGCCACTCTTGTCGGAAGGC[A>T]CCCATACCAGCTTCTTGGCAGCCCAGTCGGCCTGGGCCAGCGGATTGTTGATGAAGTTTT-3'
Protein context (NP_002464.1, residues 24-44): ADWAAKKLVW[Val34Glu]PSDKSGFEPA